The following is an entry in ClinVar:

ClinVar aggregate classification (germline): Pathogenic (1 of 4 stars; one submission).

Conditions:
Acromesomelic dysplasia 1, Maroteaux type (AMD1). Also called: ACROMESOMELIC DYSPLASIA 1; ST. HELENA DYSPLASIA. Identifiers: Orphanet 40, MedGen C1864356, MONDO:0011275, OMIM 602875.

Submission:

Hacettepe Genetic Diseases Diagnosis Center, Hacettepe University Faculty of Medicine
Classification: Pathogenic for Acromesomelic dysplasia 1, Maroteaux type. Last evaluated: 2020-05-08. Review status: criteria provided, single submitter. Criteria: ACMG Guidelines, 2015. Collection method: clinical testing. Allele origin: germline. Inheritance: Autosomal recessive inheritance. Affected: yes. Observed: 1 compound heterozygote.
Comment: Of these two variants, one is a nonsense variant (c.2143C>T, p.Gln715Ter) which has not been reported previously. This variant was neither found in ExAC nor 1000G. This variant was classified as pathogenic according to the ACMG guidelines and predicted to be disease causing by in silico pathogenicity prediction tools such as MutationTaster.

NM_003995.4(NPR2):c.2143C>T (p.Gln715Ter)

Gene: NPR2 (natriuretic peptide receptor 2; plus strand). Cytogenetic location: 9p13.3.
Variant type: single nucleotide variant.
Coding change: c.2143C>T on transcript NM_003995.4 (MANE Select); coding-DNA position 2143, C replaced by T.
Protein change: p.Gln715Ter; replaces glutamine 715 with a stop codon.
Molecular consequence: nonsense.
Genome position (GRCh38, 1-based): chr9:35,805,925, C>T. VCF-style: chr9-35805925-C-T. GRCh37 (hg19) VCF-style: chr9-35805922-C-T.
Other names: short protein forms Q715*.
Identifiers: ClinVar variation 873147 (VCV000873147.2), dbSNP rs1828356952, ClinGen allele CA373378543.